The following is an entry in ClinVar:

ClinVar aggregate classification (germline): Uncertain significance (1 of 4 stars; one submission).

Conditions:
Glycogen storage disease, type II (IOPD). Also called: POMPE DISEASE, INFANTILE-ONSET; GLYCOGEN STORAGE DISEASE II, INFANTILE-ONSET; ACID ALPHA-GLUCOSIDASE DEFICIENCY, INFANTILE-ONSET; GAA DEFICIENCY, INFANTILE-ONSET; ACID MALTASE DEFICIENCY, INFANTILE-ONSET; Pompe Disease. Identifiers: Orphanet 365, MedGen C0017921, MONDO:0009290, OMIM 232300.

Allele frequency attached by ClinVar (database versions not stated): gnomAD exomes below 0.00001.
gnomAD v4.1: 1 of 1,612,688 alleles (0.000062%); highest among the groups gnomAD compares: Non-Finnish European, 0.000085%; no homozygotes.

Submission:

Labcorp Genetics (formerly Invitae), Labcorp
Classification: Uncertain significance for Glycogen storage disease, type II. Last evaluated: 2024-10-22. Review status: criteria provided, single submitter. Criteria: Invitae Variant Classification Sherloc (09022015). Collection method: clinical testing. Allele origin: germline.
Comment: This sequence change replaces valine, which is neutral and non-polar, with alanine, which is neutral and non-polar, at codon 387 of the GAA protein (p.Val387Ala). This variant is not present in population databases (gnomAD no frequency). This variant has not been reported in the literature in individuals affected with GAA-related conditions. ClinVar contains an entry for this variant (Variation ID: 2180730). An algorithm developed to predict the effect of missense changes on protein structure and function outputs the following: PolyPhen-2: "Benign". The alanine amino acid residue is found in multiple mammalian species, which suggests that this missense change does not adversely affect protein function. In summary, the available evidence is currently insufficient to determine the role of this variant in disease. Therefore, it has been classified as a Variant of Uncertain Significance.

NM_000152.5(GAA):c.1160T>C (p.Val387Ala)

Gene: GAA (alpha glucosidase; plus strand). Cytogenetic location: 17q25.3.
Variant type: single nucleotide variant.
Coding change: c.1160T>C on transcript NM_000152.5 (MANE Select); coding-DNA position 1160, T replaced by C.
Protein change: p.Val387Ala; replaces valine 387 with alanine.
Molecular consequence: missense variant.
Genome position (GRCh38, 1-based): chr17:80,108,573, T>C. VCF-style: chr17-80108573-T-C. GRCh37 (hg19) VCF-style: chr17-78082372-T-C.
Other names: c.1160T>C, p.Val387Ala (NM_001079803.3, NM_001079804.3, NM_001406741.1 and 1 more transcripts); short protein forms V387A.
Identifiers: ClinVar variation 2180730 (VCV002180730.4), dbSNP rs2510363648, ClinGen allele CA401365072.
Genomic context (GRCh38, chr17:80,108,573, plus strand): 5'-GGGGCCTGGGCTTCCACCTGTGCCGCTGGGGCTACTCCTCCACCGCTATCACCCGCCAGG[T>C]GGTGGAGAACATGACCAGGGCCCACTTCCCCCTGGTGAGTTGGGGTGGTGGCAGGGGAGG-3'
Protein context (NP_000143.2, residues 377-397): GYSSTAITRQ[Val387Ala]VENMTRAHFP